The following is an entry in ClinVar:

ClinVar aggregate classification (germline): Uncertain significance (1 of 4 stars; one submission).

gnomAD v4.1: 19 of 1,613,930 alleles (0.0012%); highest among the groups gnomAD compares: Non-Finnish European, 0.0016%; no homozygotes.

Submission:

Labcorp Genetics (formerly Invitae), Labcorp
Classification: Uncertain significance. Last evaluated: 2024-09-10. Review status: criteria provided, single submitter. Criteria: Invitae Variant Classification Sherloc (09022015). Collection method: clinical testing. Allele origin: germline.
Comment: This sequence change replaces glycine, which is neutral and non-polar, with serine, which is neutral and polar, at codon 739 of the IFT88 protein (p.Gly739Ser). This variant is present in population databases (rs147235446, gnomAD 0.0009%). This variant has not been reported in the literature in individuals affected with IFT88-related conditions. An algorithm developed to predict the effect of missense changes on protein structure and function (PolyPhen-2) suggests that this variant is likely to be tolerated. In summary, the available evidence is currently insufficient to determine the role of this variant in disease. Therefore, it has been classified as a Variant of Uncertain Significance.

NM_006531.5(IFT88):c.2188G>A (p.Gly730Ser)

Gene: IFT88 (intraflagellar transport 88; plus strand). Cytogenetic location: 13q12.11.
Variant type: single nucleotide variant.
Coding change: c.2188G>A on transcript NM_006531.5 (MANE Select); coding-DNA position 2188, G replaced by A.
Protein change: p.Gly730Ser; replaces glycine 730 with serine.
Molecular consequence: missense variant. On other transcripts: non-coding transcript variant (5).
Genome position (GRCh38, 1-based): chr13:20,670,985, G>A. VCF-style: chr13-20670985-G-A. GRCh37 (hg19) VCF-style: chr13-21245124-G-A.
Other names: c.2131G>A, p.Gly711Ser (NM_001318491.2); c.2215G>A, p.Gly739Ser (NM_001318493.2, NM_001353565.2, NM_001353566.2 and 2 more transcripts); c.2188G>A, p.Gly730Ser (NM_001353568.2, NM_001353572.2); c.2113G>A, p.Gly705Ser (NM_001353569.2, NM_001353570.2, NM_001353576.2 and 1 more transcripts); c.2086G>A, p.Gly696Ser (NM_001353571.2, NM_001353578.2); c.2044G>A, p.Gly682Ser (NM_001353573.2); c.2029G>A, p.Gly677Ser (NM_001353574.2); c.2255G>A, p.Arg752Lys (NM_001353575.2); and 1 more; short protein forms G519S, G677S, G682S, G696S, G705S, G711S, G730S, G739S.
Identifiers: ClinVar variation 3622079 (VCV003622079.2).
Genomic context (GRCh38, chr13:20,670,985, plus strand): 5'-TGAAGGAATAGCACTTATTCTTTTAAACTTGTCTTCTCTTTGCTCTAGCGCATAAAGTCA[G>A]GCAGAGATGGCAGTGGGGGCTCCCGTGGCAAAAGAGAAGGAAGTGCTAGCGGTGGTAAGT-3'
Protein context (NP_006522.2, residues 720-740): KEIREQRIKS[Gly730Ser]RDGSGGSRGK